The following is an entry in ClinVar:

NM_017763.6(RNF43):c.2078C>T (p.Ser693Phe)

Gene: RNF43 (ring finger protein 43; minus strand). Cytogenetic location: 17q22.
Variant type: single nucleotide variant.
Coding change: c.2078C>T on transcript NM_017763.6 (MANE Select); coding-DNA position 2078, C replaced by T.
Protein change: p.Ser693Phe; replaces serine 693 with phenylalanine.
Molecular consequence: missense variant.
Genome position (GRCh38, 1-based): chr17:58,357,698, G>A on the plus strand (C>T on the coding strand, the complement: RNF43 is on the minus strand). VCF-style: chr17-58357698-G-A. GRCh37 (hg19) VCF-style: chr17-56435059-G-A.
Other names: c.2078C>T, p.Ser693Phe (NM_001305544.3, NM_001438820.1, NM_001438821.1 and 1 more transcripts); c.1697C>T, p.Ser566Phe (NM_001305545.2, NM_001437987.1); short protein forms S566F, S693F.
Identifiers: ClinVar variation 4841971 (VCV004841971.1).

ClinVar aggregate classification (germline): Uncertain significance (1 of 4 stars; one submission).

Submission:

Ambry Genetics
Classification: Uncertain significance. Last evaluated: 2025-12-30. Review status: criteria provided, single submitter. Criteria: Ambry Variant Classification Scheme 2023. Collection method: clinical testing. Allele origin: germline.
Comment: The p.S693F variant (also known as c.2078C>T), located in coding exon 8 of the RNF43 gene, results from a C to T substitution at nucleotide position 2078. The serine at codon 693 is replaced by phenylalanine, an amino acid with highly dissimilar properties. This amino acid position is conserved. In addition, this alteration is predicted to be tolerated by in silico analysis. Based on the available evidence, the clinical significance of this variant remains unclear.